The following is an entry in ClinVar:

ClinVar aggregate classification (germline): Uncertain significance (1 of 4 stars; one submission).

Conditions:
Neuronal ceroid lipofuscinosis. Also called: Neuronal Ceroid Lipofuscinoses. Identifiers: Orphanet 216, Orphanet 79263, MedGen C0027877, MONDO:0016295. Disease mechanism: loss of function.

Submission:

Labcorp Genetics (formerly Invitae), Labcorp
Classification: Uncertain significance for Neuronal ceroid lipofuscinosis. Last evaluated: 2019-10-24. Review status: criteria provided, single submitter. Criteria: Invitae Variant Classification Sherloc (09022015). Collection method: clinical testing. Allele origin: germline.
Comment: This variant results in a copy number gain of the genomic region encompassing exons 15-16 of the CLN3 gene. The 5' boundary is likely confined to intron 14. The 3' end of this event is unknown as it extends beyond the assayed region for this gene and therefore may encompass additional genes. As the precise location of this event is unknown, it may be in tandem or it may be located elsewhere in the genome. This variant has not been reported in the literature in individuals with CLN3-related disease. In summary, the available evidence is currently insufficient to determine the role of this variant in disease. Therefore, it has been classified as a Variant of Uncertain Significance.

NC_000016.9:g.(?_28488817)_(28489218_?)dup

Gene: CLN3 (CLN3 lysosomal/endosomal transmembrane protein, battenin; minus strand). Cytogenetic location: 16p12.1.
Variant type: Duplication.
Identifiers: ClinVar variation 642645 (VCV000642645.2).